The following is an entry in ClinVar:

NM_000256.3(MYBPC3):c.602G>A (p.Ser201Asn)

Gene: MYBPC3 (myosin binding protein C3; minus strand). Cytogenetic location: 11p11.2.
Variant type: single nucleotide variant.
Coding change: c.602G>A on transcript NM_000256.3 (MANE Select); coding-DNA position 602, G replaced by A.
Protein change: p.Ser201Asn; replaces serine 201 with asparagine.
Molecular consequence: missense variant.
Genome position (GRCh38, 1-based): chr11:47,349,826, C>T on the plus strand (G>A on the coding strand, the complement: MYBPC3 is on the minus strand). VCF-style: chr11-47349826-C-T. GRCh37 (hg19) VCF-style: chr11-47371377-C-T.
Other names: c.602G>A, p.Ser201Asn (LRG_386t1); short protein forms S201N.
Identifiers: ClinVar variation 626520 (VCV000626520.15), dbSNP rs1395414085, ClinGen allele CA380337579.

ClinVar aggregate classification (germline): Uncertain significance. Review status: criteria provided, multiple submitters, no conflicts (2 of 4 stars). 7 submissions from 7 submitters: Uncertain significance (7). Last evaluated 2026-03-09.

Conditions:
Cardiomyopathy (CMYO). Also called: Cardiomyopathies. Identifiers: Orphanet 167848, MedGen C0878544, MONDO:0004994, HP:0001638. Inheritance: Various modes of inheritance.
Hypertrophic cardiomyopathy 4. Also called: Familial hypertrophic cardiomyopathy 4. Identifiers: MedGen C1861862, MONDO:0007268, OMIM 115197.
Hypertrophic cardiomyopathy. Also called: HYPERTROPHIC MYOCARDIOPATHY. Identifiers: Orphanet 217569, MedGen C0007194, MeSH D002312, MONDO:0005045, HP:0001639.

Allele frequency attached by ClinVar (database versions not stated): gnomAD exomes below 0.00001; TOPMed below 0.00001; gnomAD 0.00001.

Submissions (7):

Dasa
Classification: Uncertain significance for Hypertrophic cardiomyopathy 4. Last evaluated: 2026-03-09. Review status: criteria provided, single submitter. Criteria: DASA Assertion Criteria. Collection method: clinical testing. Allele origin: germline.
Comment: NM_000256.3(MYBPC3):c.602G>A (p.Ser201Asn) is a missense variant that results in the substitution of serine with asparagine. This variant is rare in population databases. The currently available literature and clinical evidence are not sufficient to establish a definitive association between this variant and the reported condition. Therefore, this variant is classified as a variant of uncertain significance.

Color Diagnostics, LLC DBA Color Health
Classification: Uncertain significance for Cardiomyopathy. Last evaluated: 2024-03-06. Review status: criteria provided, single submitter. Criteria: ACMG Guidelines, 2015. Collection method: clinical testing. Allele origin: germline.
Comment: This missense variant replaces serine with asparagine at codon 201 of the MYBPC3 protein. Computational prediction suggests that this variant may not impact protein structure and function (internally defined REVEL score threshold <= 0.5, PMID: 27666373). To our knowledge, functional studies have not been reported for this variant. This variant has not been reported in individuals affected with MYBPC3-related disorders in the literature. This variant has not been identified in the general population by the Genome Aggregation Database (gnomAD). The available evidence is insufficient to determine the role of this variant in disease conclusively. Therefore, this variant is classified as a Variant of Uncertain Significance.

GeneDx
Classification: Uncertain significance. Last evaluated: 2023-11-30. Review status: criteria provided, single submitter. Criteria: GeneDx Variant Classification Process June 2021. Collection method: clinical testing. Allele origin: germline. Affected: yes.
Comment: Has not been previously published as pathogenic or benign to our knowledge; Not observed at significant frequency in large population cohorts (gnomAD); In silico analysis supports that this missense variant does not alter protein structure/function

All of Us Research Program, National Institutes of Health
Classification: Uncertain significance for Hypertrophic cardiomyopathy. Last evaluated: 2023-05-16. Review status: criteria provided, single submitter. Criteria: ACMG Guidelines, 2015. Collection method: clinical testing. Allele origin: germline. Inheritance: Autosomal dominant inheritance. Observed: 1 variant allele, 1 heterozygote.
Comment: This missense variant replaces serine with asparagine at codon 201 of the MYBPC3 protein. Computational prediction suggests that this variant may not impact protein structure and function (internally defined REVEL score threshold <= 0.5, PMID: 27666373). To our knowledge, functional studies have not been reported for this variant. This variant has not been reported in individuals affected with cardiovascular disorders in the literature. This variant has not been identified in the general population by the Genome Aggregation Database (gnomAD). The available evidence is insufficient to determine the role of this variant in disease conclusively. Therefore, this variant is classified as a Variant of Uncertain Significance.

This study involves interpretation of variants in research participants for the purpose of population health screening. Participant phenotype was not available at the time of variant classification. Additional details can be found in publication PMID: 35346344, PMCID: PMC8962531

Labcorp Genetics (formerly Invitae), Labcorp
Classification: Uncertain significance for Hypertrophic cardiomyopathy. Last evaluated: 2022-07-12. Review status: criteria provided, single submitter. Criteria: Invitae Variant Classification Sherloc (09022015). Collection method: clinical testing. Allele origin: germline.
Comment: This sequence change replaces serine, which is neutral and polar, with asparagine, which is neutral and polar, at codon 201 of the MYBPC3 protein (p.Ser201Asn). This variant is not present in population databases (gnomAD no frequency). This variant has not been reported in the literature in individuals affected with MYBPC3-related conditions. ClinVar contains an entry for this variant (Variation ID: 626520). Algorithms developed to predict the effect of missense changes on protein structure and function (SIFT, PolyPhen-2, Align-GVGD) all suggest that this variant is likely to be disruptive. In summary, the available evidence is currently insufficient to determine the role of this variant in disease. Therefore, it has been classified as a Variant of Uncertain Significance.

Blueprint Genetics
Classification: Uncertain significance. Last evaluated: 2021-12-26. Review status: criteria provided, single submitter. Criteria: ACMG Guidelines, 2015. Collection method: clinical testing. Allele origin: germline.

CHEO Genetics Diagnostic Laboratory, Children's Hospital of Eastern Ontario
Classification: Uncertain significance for Cardiomyopathy. Last evaluated: 2017-03-30. Review status: criteria provided, single submitter. Criteria: ACMG Guidelines, 2015. Collection method: clinical testing. Allele origin: germline. Study: Canadian Open Genetics Repository.